The following is an entry in ClinVar:

ClinVar aggregate classification (germline): Benign. Review status: reviewed by expert panel (3 of 4 stars). 2 submissions from 2 submitters: Benign (1). 1 of the submissions does not count toward it. Last evaluated 2015-01-12.

Conditions:
Breast-ovarian cancer, familial, susceptibility to, 2 (BROVCA2). Also called: BRCA2 Hereditary Breast and Ovarian Cancer. Identifiers: Orphanet 145, MedGen C2675520, MONDO:0012933, OMIM 612555. Disease mechanism: loss of function.

Allele frequency attached by ClinVar (database versions not stated): 1000 Genomes Project 0.01538; TOPMed 0.03114; 1000 Genomes Project 30x 0.01530; gnomAD 0.03330 and 0.03394; gnomAD exomes 0.03859.

Submissions (2):

Evidence-based Network for the Interpretation of Germline Mutant Alleles (ENIGMA)
Classification: Benign for Breast-ovarian cancer, familial 2. Last evaluated: 2015-01-12. Review status: reviewed by expert panel. Criteria: ENIGMA BRCA1/2 Classification Criteria (2015). Collection method: curation. Allele origin: germline.
Comment: Class 1 not pathogenic based on frequency >1% in an outbred sampleset. Frequency 0.05277 (European), derived from 1000 genomes (2012-04-30).

Breakthrough Genomics
Classification: Benign. Review status: criteria provided, single submitter. Criteria: ACMG Guidelines, 2015. Collection method: not provided. Allele origin: germline. Inheritance: Autosomal recessive inheritance. Affected: yes. Not counted in ClinVar's aggregate classification.

NM_000059.4(BRCA2):c.9256+4954C>T

Gene: BRCA2 (BRCA2 DNA repair associated; plus strand). Cytogenetic location: 13q13.1.
Variant type: single nucleotide variant.
Coding change: c.9256+4954C>T on transcript NM_000059.4 (MANE Select); 4954 bases into the intron after coding-DNA position 9256, C replaced by T.
Molecular consequence: intron variant.
Genome position (GRCh38, 1-based): chr13:32,385,099, C>T. VCF-style: chr13-32385099-C-T. GRCh37 (hg19) VCF-style: chr13-32959236-C-T.
Other names: IVS 24+4954C>T.
Identifiers: ClinVar variation 209868 (VCV000209868.2), dbSNP rs11571788, ClinGen allele CA276836.
Genomic context (GRCh38, chr13:32,385,099, plus strand): 5'-AAGTTTTCAAGTCCTTTCTGTCACAGAATGGAATGTCCAGAGATGGACTGTGAGGAAGAA[C>T]GGGCCTTGCTGGAATGTGGAGGGAAGAATTATGAACAGGCCAAGGCCTGCTTTGAAAAGG-3'